The following is an entry in ClinVar:

ClinVar aggregate classification (germline): Uncertain significance (1 of 4 stars; one submission).

Conditions:
TH-deficient dopa-responsive dystonia. Also called: Tyrosine Hydroxylase-Deficient Dopa-Responsive Dystonia; Segawa syndrome, autosomal recessive; DYT-TH. Identifiers: Orphanet 101150, MedGen C2673535, MONDO:0011551, OMIM 605407.

gnomAD v4.1: 5 of 1,612,624 alleles (0.00031%); highest among the groups gnomAD compares: Non-Finnish European, 0.00042%; no homozygotes.

Submission:

Labcorp Genetics (formerly Invitae), Labcorp
Classification: Uncertain significance for TH-deficient dopa-responsive dystonia. Last evaluated: 2022-02-20. Review status: criteria provided, single submitter. Criteria: Invitae Variant Classification Sherloc (09022015). Collection method: clinical testing. Allele origin: germline.
Comment: In summary, the available evidence is currently insufficient to determine the role of this variant in disease. Therefore, it has been classified as a Variant of Uncertain Significance. Variants that disrupt the consensus splice site are a relatively common cause of aberrant splicing (PMID: 17576681, 9536098). Algorithms developed to predict the effect of sequence changes on RNA splicing suggest that this variant may disrupt the consensus splice site. This variant has not been reported in the literature in individuals affected with TH-related conditions. This variant is not present in population databases (gnomAD no frequency). This sequence change falls in intron 12 of the TH gene. It does not directly change the encoded amino acid sequence of the TH protein. It affects a nucleotide within the consensus splice site.

Literature cited by the submitters: PubMed 17576681; PubMed 9536098.

NM_000360.4(TH):c.1200+5G>A

Gene: TH (tyrosine hydroxylase; minus strand). Cytogenetic location: 11p15.5.
Variant type: single nucleotide variant.
Coding change: c.1200+5G>A on transcript NM_000360.4 (MANE Select); 5 bases into the intron after coding-DNA position 1200, G replaced by A.
Molecular consequence: intron variant.
Genome position (GRCh38, 1-based): chr11:2,165,663, C>T on the plus strand (G>A on the coding strand, the complement: TH is on the minus strand). VCF-style: chr11-2165663-C-T. GRCh37 (hg19) VCF-style: chr11-2186893-C-T.
Other names: c.1281+5G>A (NM_199293.3); c.1293+5G>A (NM_199292.3).
Identifiers: ClinVar variation 2100606 (VCV002100606.4), dbSNP rs774895306, ClinGen allele CA2580082624.